The following is an entry in ClinVar:

NM_139242.4(MTFMT):c.21C>G (p.Arg7=)

Gene: MTFMT (mitochondrial methionyl-tRNA formyltransferase; minus strand). Cytogenetic location: 15q22.31.
Variant type: single nucleotide variant.
Coding change: c.21C>G on transcript NM_139242.4 (MANE Select); coding-DNA position 21, C replaced by G.
Protein change: p.Arg7=; no amino-acid change (arginine 7 retained).
Molecular consequence: synonymous variant.
Genome position (GRCh38, 1-based): chr15:65,029,593, G>C on the plus strand (C>G on the coding strand, the complement: MTFMT is on the minus strand). VCF-style: chr15-65029593-G-C. GRCh37 (hg19) VCF-style: chr15-65321931-G-C.
Identifiers: ClinVar variation 4979308 (VCV004979308.1).

ClinVar aggregate classification (germline): Likely benign (1 of 4 stars; one submission).

Conditions:
MTFMT-related disorder. Also called: MTFMT-related condition.

gnomAD v4.1: 31 of 1,459,874 alleles (0.0021%); highest among the groups gnomAD compares: African/African-American, 0.041%; 1 homozygote.

Submission:

PreventionGenetics, part of Exact Sciences
Classification: Likely benign for MTFMT-related condition. Last evaluated: 2025-01-25. Review status: criteria provided, single submitter. Criteria: ACMG Guidelines, 2015. Collection method: clinical testing. Allele origin: germline.
Comment: This variant is classified as likely benign based on ACMG/AMP sequence variant interpretation guidelines (Richards et al. 2015 PMID: 25741868, with internal and published modifications).